The following is an entry in ClinVar:

ClinVar aggregate classification (germline): Uncertain significance (1 of 4 stars; one submission).

Submission:

GeneDx
Classification: Uncertain significance. Last evaluated: 2020-03-07. Review status: criteria provided, single submitter. Criteria: GeneDx Variant Classification Process June 2021. Collection method: clinical testing. Allele origin: germline. Affected: yes.
Comment: Not observed in large population cohorts (Lek et al., 2016); In silico analysis supports that this missense variant does not alter protein structure/function; Has not been previously published as pathogenic or benign to our knowledge

NM_006908.5(RAC1):c.226-1439T>C

Gene: RAC1 (Rac family small GTPase 1; plus strand). Cytogenetic location: 7p22.1.
Variant type: single nucleotide variant.
Coding change: c.226-1439T>C on transcript NM_006908.5 (MANE Select); 1439 bases into the intron before coding-DNA position 226, T replaced by C.
Molecular consequence: intron variant. On other transcripts: missense variant (1).
Genome position (GRCh38, 1-based): chr7:6,398,687, T>C. VCF-style: chr7-6398687-T-C. GRCh37 (hg19) VCF-style: chr7-6438318-T-C.
Other names: c.251T>C, p.Ile84Thr (NM_018890.4); short protein forms I84T.
Identifiers: ClinVar variation 1315377 (VCV001315377.2), dbSNP rs2115211942, ClinGen allele CA366764409.